The following is an entry in ClinVar:

ClinVar aggregate classification (germline): Uncertain significance. Review status: criteria provided, single submitter (1 of 4 stars). 2 submissions from 2 submitters: Uncertain significance (1). 1 of the submissions does not count toward it. Last evaluated 2015-04-28.

Conditions:
Autosomal dominant nonsyndromic hearing loss 11. Identifiers: Orphanet 90635, MedGen C1832475, MONDO:0011032, OMIM 601317.

Submissions (2):

Laboratory for Molecular Medicine, Mass General Brigham Personalized Medicine
Classification: Uncertain significance. Last evaluated: 2015-04-28. Review status: criteria provided, single submitter. Criteria: LMM Criteria. Collection method: clinical testing. Allele origin: germline. Observed: 3 variant alleles.
Comment: The variant segregated with disea se in one affected relative, but additional affected family members were not tes ted (Sun 2011). The p.Gly671Ser variant has not been identified in large populat ion studies. Computational prediction tools and conservation analyses do not pro vide strong support for or against an impact to the protein. In summary, the cli nical significance of the p.Gly671Ser variant is uncertain.

OMIM
Classification: Pathogenic for DEAFNESS, AUTOSOMAL DOMINANT 11. Last evaluated: 2011-01-01. Review status: no assertion criteria provided. Collection method: literature only. Allele origin: germline. Not counted in ClinVar's aggregate classification.

Literature cited by the submitters: PubMed 21150918 (cited by Laboratory for Molecular Medicine, Mass General Brigham Personalized Medicine and OMIM).

NM_000260.4(MYO7A):c.2011G>A (p.Gly671Ser)

Gene: MYO7A (myosin VIIA; plus strand). Cytogenetic location: 11q13.5.
Variant type: single nucleotide variant.
Coding change: c.2011G>A on transcript NM_000260.4 (MANE Select); coding-DNA position 2011, G replaced by A.
Protein change: p.Gly671Ser; replaces glycine 671 with serine.
Molecular consequence: missense variant.
Genome position (GRCh38, 1-based): chr11:77,174,831, G>A. VCF-style: chr11-77174831-G-A. GRCh37 (hg19) VCF-style: chr11-76885877-G-A.
Other names: c.2011G>A, p.Gly671Ser (NM_001127180.2); c.1978G>A, p.Gly660Ser (NM_001369365.1); short protein forms G671S, G660S.
Identifiers: ClinVar variation 29925 (VCV000029925.4), dbSNP rs387906699, ClinGen allele CA177376.
Genomic context (GRCh38, chr11:77,174,831, plus strand): 5'-CTGTGCGTGCGCCAGCTGCGGTACTCAGGAATGATGGAGACCATCCGAATCCGCCGAGCT[G>A]GCTACCCCATCCGCTACAGCTTCGTAGAGTTTGTGGAGCGGTACCGTGTGCTGCTGCCAG-3'
Protein context (NP_000251.3, residues 661-681): MMETIRIRRA[Gly671Ser]YPIRYSFVEF